The following is an entry in ClinVar:

ClinVar aggregate classification (germline): Uncertain significance (1 of 4 stars; one submission).

Conditions:
Inborn genetic diseases. Identifiers: MedGen C0950123, MeSH D030342.

Submission:

Ambry Genetics
Classification: Uncertain significance for Inborn genetic diseases. Last evaluated: 2025-02-26. Review status: criteria provided, single submitter. Criteria: Ambry Variant Classification Scheme 2023. Collection method: clinical testing. Allele origin: germline.
Comment: The p.A100V variant (also known as c.299C>T), located in coding exon 3 of the ELANE gene, results from a C to T substitution at nucleotide position 299. The alanine at codon 100 is replaced by valine, an amino acid with similar properties. This amino acid position is conserved. In addition, this alteration is predicted to be tolerated by in silico analysis. Based on the available evidence, the clinical significance of this variant remains unclear.

NM_001972.4(ELANE):c.299C>T (p.Ala100Val)

Gene: ELANE (elastase, neutrophil expressed; plus strand). Cytogenetic location: 19p13.3.
Variant type: single nucleotide variant.
Coding change: c.299C>T on transcript NM_001972.4 (MANE Select); coding-DNA position 299, C replaced by T.
Protein change: p.Ala100Val; replaces alanine 100 with valine.
Molecular consequence: missense variant.
Genome position (GRCh38, 1-based): chr19:853,336, C>T. VCF-style: chr19-853336-C-T. GRCh37 (hg19) VCF-style: chr19-853336-C-T.
Other names: short protein forms A100V.
Identifiers: ClinVar variation 3844329 (VCV003844329.1).